The following is an entry in ClinVar:

ClinVar aggregate classification (germline): Uncertain significance (1 of 4 stars; one submission).

Conditions:
Oocyte maturation defect 2 (OZEMA2). Also called: OOCYTE/ZYGOTE/EMBRYO MATURATION ARREST 2. Identifiers: MedGen C4225210, MONDO:0021573, OMIM 616780.

Submission:

Juno Genomics, Hangzhou Juno Genomics, Inc
Classification: Uncertain significance for Oocyte maturation defect 2. Review status: criteria provided, single submitter. Criteria: ACMG Guidelines, 2015. Collection method: clinical testing. Allele origin: germline. Affected: yes.
Comment: Absent from controls (or at extremely low frequency if recessive) in Genome Aggregation Database, Exome Sequencing Project, 1000 Genomes Project, or Exome Aggregation Consortium.;Patient's phenotype or family history is highly specific for a disease with a single genetic etiology.

NM_177987.3(TUBB8):c.844C>T (p.Arg282Trp)

Gene: TUBB8 (tubulin beta 8 class VIII; minus strand). Cytogenetic location: 10p15.3.
Variant type: single nucleotide variant.
Coding change: c.844C>T on transcript NM_177987.3 (MANE Select); coding-DNA position 844, C replaced by T.
Protein change: p.Arg282Trp; replaces arginine 282 with tryptophan.
Molecular consequence: missense variant.
Genome position (GRCh38, 1-based): chr10:47,548, G>A on the plus strand (C>T on the coding strand, the complement: TUBB8 is on the minus strand). VCF-style: chr10-47548-G-A. GRCh37 (hg19) VCF-style: chr10-93488-G-A.
Other names: c.628C>T, p.Arg210Trp (NM_001389618.1, NM_001389619.1); short protein forms R210W, R282W.
Identifiers: ClinVar variation 3383161 (VCV003383161.2).